The following is an entry in ClinVar:

NM_033056.4(PCDH15):c.5697G>A (p.Met1899Ile)

Gene: PCDH15 (protocadherin related 15; minus strand). Cytogenetic location: 10q21.1.
Variant type: single nucleotide variant.
Coding change: c.5697G>A on transcript NM_033056.4 (MANE Plus Clinical); coding-DNA position 5697, G replaced by A.
Protein change: p.Met1899Ile; replaces methionine 1899 with isoleucine.
Molecular consequence: missense variant. On other transcripts: intron variant (8).
Genome position (GRCh38, 1-based): chr10:53,822,029, C>T on the plus strand (G>A on the coding strand, the complement: PCDH15 is on the minus strand). VCF-style: chr10-53822029-C-T. GRCh37 (hg19) VCF-style: chr10-55581789-C-T.
Other names: c.5718G>A, p.Met1906Ile (NM_001142763.2); c.5703G>A, p.Met1901Ile (NM_001142764.2); c.5490G>A, p.Met1830Ile (NM_001142765.2); c.5688G>A, p.Met1896Ile (NM_001142766.2); c.5577G>A, p.Met1859Ile (NM_001142767.2); c.5637G>A, p.Met1879Ile (NM_001142768.2); c.5628G>A, p.Met1876Ile (NM_001142773.2); c.5631G>A, p.Met1877Ile (NM_001354404.2); and 7 more; short protein forms M1859I, M1876I, M1901I, M1877I, M1896I, M1899I, M1906I, M1879I.
Identifiers: ClinVar variation 1489408 (VCV001489408.5), dbSNP rs771258779, ClinGen allele CA376524415.

ClinVar aggregate classification (germline): Uncertain significance (1 of 4 stars; one submission).

Allele frequency attached by ClinVar (database versions not stated): TOPMed 0.00001.

Submission:

Labcorp Genetics (formerly Invitae), Labcorp
Classification: Uncertain significance. Last evaluated: 2021-10-14. Review status: criteria provided, single submitter. Criteria: Invitae Variant Classification Sherloc (09022015). Collection method: clinical testing. Allele origin: germline.
Comment: This sequence change replaces methionine with isoleucine at codon 1899 of the PCDH15 protein (p.Met1899Ile). The methionine residue is moderately conserved and there is a small physicochemical difference between methionine and isoleucine. This variant is not present in population databases (ExAC no frequency). This variant has not been reported in the literature in individuals affected with PCDH15-related conditions. Algorithms developed to predict the effect of missense changes on protein structure and function are either unavailable or do not agree on the potential impact of this missense change (SIFT: "Tolerated"; PolyPhen-2: "Not Available"; Align-GVGD: "Class C0"). In summary, the available evidence is currently insufficient to determine the role of this variant in disease. Therefore, it has been classified as a Variant of Uncertain Significance.